The following is an entry in ClinVar:

ClinVar aggregate classification (germline): Uncertain significance. Review status: criteria provided, multiple submitters, no conflicts (2 of 4 stars). 2 submissions from 2 submitters: Uncertain significance (2). Last evaluated 2022-03-22.

Conditions:
Familial hypocalciuric hypercalcemia (FHH). Also called: Familial benign hypercalcemia. Identifiers: Orphanet 405, MedGen C1809471, MONDO:0018458.
Autosomal dominant hypocalcemia 1 (HYPOC1). Also called: HYPOCALCEMIA, FAMILIAL. Identifiers: MedGen C3715128, MONDO:0011013, OMIM 601198.

Submissions (2):

Athena Diagnostics
Classification: Uncertain significance. Last evaluated: 2022-03-22. Review status: criteria provided, single submitter. Criteria: Athena Diagnostics Criteria. Collection method: clinical testing. Allele origin: unknown.

Labcorp Genetics (formerly Invitae), Labcorp
Classification: Uncertain significance for Familial hypocalciuric hypercalcemia; Autosomal dominant hypocalcemia 1. Last evaluated: 2019-07-08. Review status: criteria provided, single submitter. Criteria: Invitae Variant Classification Sherloc (09022015). Collection method: clinical testing. Allele origin: germline.
Comment: In summary, the available evidence is currently insufficient to determine the role of this variant in disease. Therefore, it has been classified as a Variant of Uncertain Significance. Algorithms developed to predict the effect of missense changes on protein structure and function (SIFT, PolyPhen-2, Align-GVGD) all suggest that this variant is likely to be disruptive, but these predictions have not been confirmed by published functional studies and their clinical significance is uncertain. This variant has been observed in several individuals affected with clinical features of familial hypocalciuric hypercalcemia (PMID: 26963950, Invitae). This variant is not present in population databases (ExAC no frequency). This sequence change replaces threonine with isoleucine at codon 640 of the CASR protein (p.Thr640Ile). The threonine residue is highly conserved and there is a moderate physicochemical difference between threonine and isoleucine.

Literature cited by the submitters: PubMed 26963950 (cited by Athena Diagnostics and Labcorp Genetics (formerly Invitae), Labcorp); PubMed 32347971 (cited by Athena Diagnostics).

NM_000388.4(CASR):c.1919C>T (p.Thr640Ile)

Gene: CASR (calcium sensing receptor; plus strand). Cytogenetic location: 3q21.1.
Variant type: single nucleotide variant.
Coding change: c.1919C>T on transcript NM_000388.4 (MANE Select); coding-DNA position 1919, C replaced by T.
Protein change: p.Thr640Ile; replaces threonine 640 with isoleucine.
Molecular consequence: missense variant.
Genome position (GRCh38, 1-based): chr3:122,283,873, C>T. VCF-style: chr3-122283873-C-T. GRCh37 (hg19) VCF-style: chr3-122002720-C-T.
Other names: c.1949C>T, p.Thr650Ile (NM_001178065.2); short protein forms T640I, T650I.
Identifiers: ClinVar variation 938722 (VCV000938722.11), dbSNP rs1559968450, ClinGen allele CA354157983.